The following is an entry in ClinVar:

ClinVar aggregate classification (germline): Uncertain significance (1 of 4 stars; one submission).

Submission:

Women's Health and Genetics/Laboratory Corporation of America, LabCorp
Classification: Uncertain significance. Last evaluated: 2025-05-12. Review status: criteria provided, single submitter. Criteria: LabCorp Variant Classification Summary - May 2015. Collection method: clinical testing. Allele origin: germline.
Comment: Variant summary: ARSB c.426G>A (p.Met142Ile) results in a conservative amino acid change in the encoded protein sequence. Algorithms developed to predict the effect of missense changes on protein structure and function are either unavailable or do not agree on the potential impact of this missense change. The variant was absent in 251474 control chromosomes. The available data on variant occurrences in the general population are insufficient to allow any conclusion about variant significance. To our knowledge, no occurrence of c.426G>A in individuals affected with Mucopolysaccharidosis Type VI (Maroteaux-Lamy Syndrome) and no experimental evidence demonstrating its impact on protein function have been reported. No submitters have cited clinical-significance assessments for this variant to ClinVar. Based on the evidence outlined above, the variant was classified as uncertain significance.

NM_000046.5(ARSB):c.426G>A (p.Met142Ile)

Gene: ARSB (arylsulfatase B; minus strand). Cytogenetic location: 5q14.1.
Variant type: single nucleotide variant.
Coding change: c.426G>A on transcript NM_000046.5 (MANE Select); coding-DNA position 426, G replaced by A.
Protein change: p.Met142Ile; replaces methionine 142 with isoleucine.
Molecular consequence: missense variant.
Genome position (GRCh38, 1-based): chr5:78,969,079, C>T on the plus strand (G>A on the coding strand, the complement: ARSB is on the minus strand). VCF-style: chr5-78969079-C-T. GRCh37 (hg19) VCF-style: chr5-78264902-C-T.
Other names: c.426G>A, p.Met142Ile (NM_198709.3); short protein forms M142I.
Identifiers: ClinVar variation 3902325 (VCV003902325.1).